The following is an entry in ClinVar:

NM_000257.4(MYH7):c.2333A>G (p.Asp778Gly)

Genes: MYH7 (myosin heavy chain 7; minus strand), LOC126861898 (BRD4-independent group 4 enhancer GRCh37_chr14:23893609-23894808; plus strand). Cytogenetic location: 14q11.2.
Variant type: single nucleotide variant.
Coding change: c.2333A>G on transcript NM_000257.4 (MANE Select); coding-DNA position 2333, A replaced by G.
Protein change: p.Asp778Gly; replaces aspartic acid 778 with glycine.
Molecular consequence: missense variant.
Genome position (GRCh38, 1-based): chr14:23,425,372, T>C on the plus strand (A>G on the coding strand, the complement: MYH7 is on the minus strand). VCF-style: chr14-23425372-T-C. GRCh37 (hg19) VCF-style: chr14-23894581-T-C.
Other names: short protein forms D778G.
Identifiers: ClinVar variation 14100 (VCV000014100.5), dbSNP rs121913634, ClinGen allele CA012133.

ClinVar aggregate classification (germline): Pathogenic/Likely pathogenic. Review status: criteria provided, multiple submitters, no conflicts (2 of 4 stars). 3 submissions from 3 submitters: Pathogenic (1); Likely pathogenic (1). 1 of the submissions does not count toward it. Last evaluated 2026-09-15.

Conditions:
Hypertrophic cardiomyopathy 1 (CMH1). Also called: MYH7-Related Familial Hypertrophic Cardiomyopathy; Familial hypertrophic cardiomyopathy 1. Identifiers: MedGen C3495498, MONDO:0008647, OMIM 192600.
Hypertrophic cardiomyopathy. Also called: HYPERTROPHIC MYOCARDIOPATHY. Identifiers: Orphanet 217569, MedGen C0007194, MeSH D002312, MONDO:0005045, HP:0001639.

Submissions (3):

MVZ Medizinische Genetik Mainz
Classification: Likely pathogenic for Hypertrophic cardiomyopathy 1. Last evaluated: 2026-09-15. Review status: criteria provided, single submitter. Criteria: UK Practice Guidelines For Variant Classification V4 01 2020. Collection method: clinical testing. Allele origin: germline. Inheritance: Autosomal dominant inheritance. Affected: yes. Observed: 1 variant allele.
Comment: ACMG Criteria: PM5,PS3_SUP,PS4_SUP,PM2_SUP,PP3

Labcorp Genetics (formerly Invitae), Labcorp
Classification: Pathogenic for Hypertrophic cardiomyopathy. Last evaluated: 2023-09-29. Review status: criteria provided, single submitter. Criteria: Invitae Variant Classification Sherloc (09022015). Collection method: clinical testing. Allele origin: germline.
Comment: Experimental studies have shown that this missense change affects MYH7 function (PMID: 10882745). This variant disrupts the Asp778 amino acid residue in MYH7. Other variant(s) that disrupt this residue have been determined to be pathogenic (PMID: 12566107, 15358028, 21896538, 22112859; Invitae). This suggests that this residue is clinically significant, and that variants that disrupt this residue are likely to be disease-causing. For these reasons, this variant has been classified as Pathogenic. Advanced modeling of protein sequence and biophysical properties (such as structural, functional, and spatial information, amino acid conservation, physicochemical variation, residue mobility, and thermodynamic stability) performed at Invitae indicates that this missense variant is expected to disrupt MYH7 protein function. This sequence change replaces aspartic acid, which is acidic and polar, with glycine, which is neutral and non-polar, at codon 778 of the MYH7 protein (p.Asp778Gly). This variant is not present in population databases (gnomAD no frequency). This missense change has been observed in individual(s) with hypertrophic cardiomyopathy (PMID: 8343162). It has also been observed to segregate with disease in related individuals. ClinVar contains an entry for this variant (Variation ID: 14100).

OMIM
Classification: Pathogenic for CARDIOMYOPATHY, FAMILIAL HYPERTROPHIC, 1. Last evaluated: 1993-07-30. Review status: no assertion criteria provided. Collection method: literature only. Allele origin: germline. Not counted in ClinVar's aggregate classification.

Literature cited by the submitters: PubMed 10882745 (cited by Labcorp Genetics (formerly Invitae), Labcorp); PubMed 12566107 (cited by Labcorp Genetics (formerly Invitae), Labcorp); PubMed 15358028 (cited by Labcorp Genetics (formerly Invitae), Labcorp); PubMed 21896538 (cited by Labcorp Genetics (formerly Invitae), Labcorp); PubMed 22112859 (cited by Labcorp Genetics (formerly Invitae), Labcorp); PubMed 8343162 (cited by Labcorp Genetics (formerly Invitae), Labcorp and OMIM).